The following is an entry in ClinVar:

NM_025137.4(SPG11):c.2732C>T (p.Ser911Leu)

Gene: SPG11 (SPG11 vesicle trafficking associated, spatacsin; minus strand). Cytogenetic location: 15q21.1.
Variant type: single nucleotide variant.
Coding change: c.2732C>T on transcript NM_025137.4 (MANE Select); coding-DNA position 2732, C replaced by T.
Protein change: p.Ser911Leu; replaces serine 911 with leucine.
Molecular consequence: missense variant.
Genome position (GRCh38, 1-based): chr15:44,620,292, G>A on the plus strand (C>T on the coding strand, the complement: SPG11 is on the minus strand). VCF-style: chr15-44620292-G-A. GRCh37 (hg19) VCF-style: chr15-44912490-G-A.
Other names: c.2732C>T, p.Ser911Leu (NM_001160227.2); short protein forms S911L.
Identifiers: ClinVar variation 1483059 (VCV001483059.5), dbSNP rs2141024543, ClinGen allele CA392230743.
Genomic context (GRCh38, chr15:44,620,292, plus strand): 5'-CAGGAAGTATTCTGGTTAATAACATCAACAGTCAGAAGGGGCCATTTGTTCTGCTGAAGT[G>A]AAGCATAACTATGCTGGGTTTGAAATTCTCCAATCCATAAGATAATGTTTAACCAATCAT-3'
Protein context (NP_079413.3, residues 901-921): GEFQTQHSYA[Ser911Leu]LQQNKWPLLT

ClinVar aggregate classification (germline): Uncertain significance (1 of 4 stars; one submission).

Conditions:
Hereditary spastic paraplegia 11. Also called: Autosomal recessive hereditary spastic paraplegia, mental impairment, and thin corpus callosum; SPASTIC PARAPLEGIA, AUTOSOMAL RECESSIVE, COMPLICATED, WITH THIN CORPUS CALLOSUM; SPASTIC PARAPLEGIA, AUTOSOMAL RECESSIVE, WITH MENTAL IMPAIRMENT AND THIN CORPUS CALLOSUM; Spastic paraplegia, mental retardation and thin corpus callosum; Spastic Paraplegia 11; Nakamura Osame syndrome. Identifiers: Orphanet 2822, MedGen C1858479, MONDO:0011445, OMIM 604360.

Submission:

Labcorp Genetics (formerly Invitae), Labcorp
Classification: Uncertain significance for Hereditary spastic paraplegia 11. Last evaluated: 2022-10-05. Review status: criteria provided, single submitter. Criteria: Invitae Variant Classification Sherloc (09022015). Collection method: clinical testing. Allele origin: germline.
Comment: This sequence change replaces serine, which is neutral and polar, with leucine, which is neutral and non-polar, at codon 911 of the SPG11 protein (p.Ser911Leu). This variant is not present in population databases (gnomAD no frequency). This variant has not been reported in the literature in individuals affected with SPG11-related conditions. ClinVar contains an entry for this variant (Variation ID: 1483059). Advanced modeling of protein sequence and biophysical properties (such as structural, functional, and spatial information, amino acid conservation, physicochemical variation, residue mobility, and thermodynamic stability) performed at Invitae indicates that this missense variant is not expected to disrupt SPG11 protein function. In summary, the available evidence is currently insufficient to determine the role of this variant in disease. Therefore, it has been classified as a Variant of Uncertain Significance.